The following is an entry in ClinVar:

NM_000428.3(LTBP2):c.4668G>C (p.Pro1556=)

Gene: LTBP2 (latent transforming growth factor beta binding protein 2; minus strand). Cytogenetic location: 14q24.3.
Variant type: single nucleotide variant.
Coding change: c.4668G>C on transcript NM_000428.3 (MANE Select); coding-DNA position 4668, G replaced by C.
Protein change: p.Pro1556=; no amino-acid change (proline 1556 retained).
Molecular consequence: synonymous variant.
Genome position (GRCh38, 1-based): chr14:74,503,521, C>G on the plus strand (G>C on the coding strand, the complement: LTBP2 is on the minus strand). VCF-style: chr14-74503521-C-G. GRCh37 (hg19) VCF-style: chr14-74970224-C-G.
Identifiers: ClinVar variation 126957 (VCV000126957.8), dbSNP rs137854866, ClinGen allele CA151347.

ClinVar aggregate classification (germline): Likely benign. Review status: criteria provided, single submitter (1 of 4 stars). 2 submissions from 2 submitters: Likely benign (1). 1 of the submissions does not count toward it. Last evaluated 2025-02-27.

Conditions:
Primary open angle glaucoma (POAG). Also called: OPTN-related open angle glaucoma. Identifiers: MedGen C0339573, MONDO:0100553, OMIM 137760.

Allele frequency attached by ClinVar (database versions not stated): gnomAD 0.00002 and 0.00003; TOPMed 0.00007; 1000 Genomes Project 30x 0.00016; 1000 Genomes Project 0.00020.
gnomAD v4.1: 45 of 1,613,126 alleles (0.0028%); highest among the groups gnomAD compares: Middle Eastern, 0.017%; no homozygotes.

Submissions (2):

Labcorp Genetics (formerly Invitae), Labcorp
Classification: Likely benign. Last evaluated: 2025-02-27. Review status: criteria provided, single submitter. Criteria: Invitae Variant Classification Sherloc (09022015). Collection method: clinical testing. Allele origin: germline.

Elahi Laboratory, University of Tehran
Classification: Uncertain significance for Primary open angle glaucoma. Review status: no assertion criteria provided. Collection method: not provided. Allele origin: unknown. Not counted in ClinVar's aggregate classification.
ClinVar note: Converted during submission from unknown to Uncertain significance.